The following is an entry in ClinVar:

NM_007194.4(CHEK2):c.569C>T (p.Ala190Val)

Gene: CHEK2 (checkpoint kinase 2; minus strand). Cytogenetic location: 22q12.1.
Variant type: single nucleotide variant.
Coding change: c.569C>T on transcript NM_007194.4 (MANE Select); coding-DNA position 569, C replaced by T.
Protein change: p.Ala190Val; replaces alanine 190 with valine.
Molecular consequence: missense variant. On other transcripts: 5 prime UTR variant (2), intron variant (1).
Genome position (GRCh38, 1-based): chr22:28,725,000, G>A on the plus strand (C>T on the coding strand, the complement: CHEK2 is on the minus strand). VCF-style: chr22-28725000-G-A. GRCh37 (hg19) VCF-style: chr22-29120988-G-A.
Other names: c.698C>T, p.Ala233Val (NM_001005735.3, NM_001438294.1); c.-209C>T (NM_001257387.3); c.-95C>T (NM_001437942.1); c.662C>T, p.Ala221Val (NM_001438293.1, NM_001438295.1); c.569C>T, p.Ala190Val (NM_145862.3); c.445-77C>T (NM_001349956.3); short protein forms A190V, A233V, A221V.
Identifiers: ClinVar variation 187113 (VCV000187113.56), dbSNP rs786203483, ClinGen allele CA196768.

ClinVar aggregate classification (germline): Uncertain significance. Review status: criteria provided, multiple submitters, no conflicts (2 of 4 stars). 6 submissions from 6 submitters: Uncertain significance (6). Last evaluated 2025-12-29.

Conditions:
Hereditary cancer-predisposing syndrome. Also called: Tumor predisposition; Neoplastic Syndromes, Hereditary; Hereditary Cancer Syndrome; Hereditary neoplastic syndrome. Identifiers: Orphanet 140162, MedGen C0027672, MeSH D009386, MONDO:0015356.
Familial cancer of breast. Also called: hereditary breast carcinoma; BREAST CANCER, FAMILIAL; Hereditary breast cancer. Identifiers: Orphanet 227535, MedGen C0346153, MONDO:0016419, OMIM 114480. Disease mechanism: loss of function.

Allele frequency attached by ClinVar (database versions not stated): TOPMed below 0.00001; gnomAD 0.00001.
gnomAD v4.1: 1 of 1,613,792 alleles (0.000062%); highest among the groups gnomAD compares: Non-Finnish European, 0.000085%; no homozygotes.

Submissions (6):

Labcorp Genetics (formerly Invitae), Labcorp
Classification: Uncertain significance for Familial cancer of breast. Last evaluated: 2025-12-29. Review status: criteria provided, single submitter. Criteria: Invitae Variant Classification Sherloc (09022015). Collection method: clinical testing. Allele origin: germline.
Comment: This sequence change replaces alanine, which is neutral and non-polar, with valine, which is neutral and non-polar, at codon 190 of the CHEK2 protein (p.Ala190Val). This variant is not present in population databases (gnomAD no frequency). This missense change has been observed in individual(s) with breast cancer (PMID: 37449874, 38061684). ClinVar contains an entry for this variant (Variation ID: 187113). An algorithm developed to predict the effect of missense changes on protein structure and function (PolyPhen-2) suggests that this variant is likely to be disruptive. In summary, the available evidence is currently insufficient to determine the role of this variant in disease. Therefore, it has been classified as a Variant of Uncertain Significance.

Ambry Genetics
Classification: Uncertain significance for Hereditary cancer-predisposing syndrome. Last evaluated: 2025-09-22. Review status: criteria provided, single submitter. Criteria: Ambry Variant Classification Scheme 2023. Collection method: clinical testing. Allele origin: germline.
Comment: The p.A190V variant (also known as c.569C>T), located in coding exon 3 of the CHEK2 gene, results from a C to T substitution at nucleotide position 569. The alanine at codon 190 is replaced by valine, an amino acid with similar properties. This alteration was reported as functionally impaired in a study assessing CHEK2-complementation through quantification of KAP1 phosphorylation and CHK2 autophosphorylation in human RPE1-CHEK2-knockout cells (Stolarova L et al. Clin Cancer Res, 2023 Aug;29:3037-3050). This amino acid position is highly conserved in available vertebrate species. In addition, the in silico prediction for this alteration is inconclusive. Based on the available evidence, the clinical significance of this variant remains unclear.

Quest Diagnostics Nichols Institute San Juan Capistrano
Classification: Uncertain significance. Last evaluated: 2023-06-22. Review status: criteria provided, single submitter. Criteria: Quest Diagnostics criteria. Collection method: clinical testing. Allele origin: unknown.
Comment: This variant has not been reported in the published literature. It also has not been reported in large, multi-ethnic general populations (Genome Aggregation Database). Analysis of this variant using bioinformatics tools for the prediction of the effect of amino acid changes on protein structure and function yielded predictions that this variant is damaging. Based on the available information, we are unable to determine the clinical significance of this variant.

CeGaT Center for Human Genetics Tuebingen
Classification: Uncertain significance. Last evaluated: 2021-04-01. Review status: criteria provided, single submitter. Criteria: CeGaT Center For Human Genetics Tuebingen Variant Classification Criteria Version 2. Collection method: clinical testing. Allele origin: germline. Affected: yes. Observed: 1 variant allele.

Color Diagnostics, LLC DBA Color Health
Classification: Uncertain significance for Hereditary cancer-predisposing syndrome. Last evaluated: 2020-12-01. Review status: criteria provided, single submitter. Criteria: ACMG Guidelines, 2015. Collection method: clinical testing. Allele origin: germline.
Comment: This missense variant replaces alanine with valine at codon 190 of the CHEK2 protein. Computational prediction is inconclusive regarding the impact of this variant on protein structure and function (internally defined REVEL score threshold 0.5 < inconclusive < 0.7, PMID: 27666373). To our knowledge, functional studies have not been reported for this variant. This variant has not been reported in individuals affected with hereditary cancer in the literature. This variant has not been identified in the general population by the Genome Aggregation Database (gnomAD). The available evidence is insufficient to determine the role of this variant in disease conclusively. Therefore, this variant is classified as a Variant of Uncertain Significance.

GeneDx
Classification: Uncertain significance. Last evaluated: 2020-07-20. Review status: criteria provided, single submitter. Criteria: GeneDx Variant Classification Process June 2021. Collection method: clinical testing. Allele origin: germline. Affected: yes.
Comment: Not observed in large population cohorts (Lek 2016); In silico analysis supports that this missense variant has a deleterious effect on protein structure/function; Has not been previously published as pathogenic or benign to our knowledge; This variant is associated with the following publications: (PMID: 29987844)

Literature cited by the submitters: PubMed 37449874 (cited by Labcorp Genetics (formerly Invitae), Labcorp and Ambry Genetics); PubMed 38061684 (cited by Labcorp Genetics (formerly Invitae), Labcorp).